The following is an entry in ClinVar:

ClinVar aggregate classification (germline): Uncertain significance (1 of 4 stars; one submission).

Submission:

GeneDx
Classification: Uncertain significance. Last evaluated: 2024-09-30. Review status: criteria provided, single submitter. Criteria: GeneDx Variant Classification Process June 2021. Collection method: clinical testing. Allele origin: germline. Affected: yes.
Comment: Not observed at significant frequency in large population cohorts (gnomAD); In silico analysis supports that this missense variant has a deleterious effect on protein structure/function; Has not been previously published as pathogenic or benign to our knowledge

NM_001127222.2(CACNA1A):c.2324A>T (p.Glu775Val)

Gene: CACNA1A (calcium voltage-gated channel subunit alpha1 A; minus strand). Cytogenetic location: 19p13.13.
Variant type: single nucleotide variant.
Coding change: c.2324A>T on transcript NM_001127222.2 (MANE Select); coding-DNA position 2324, A replaced by T.
Protein change: p.Glu775Val; replaces glutamic acid 775 with valine.
Molecular consequence: missense variant.
Genome position (GRCh38, 1-based): chr19:13,299,309, T>A on the plus strand (A>T on the coding strand, the complement: CACNA1A is on the minus strand). VCF-style: chr19-13299309-T-A. GRCh37 (hg19) VCF-style: chr19-13410123-T-A.
Other names: c.2336A>T, p.Glu779Val (NM_000068.4, NM_023035.3); c.2327A>T, p.Glu776Val (NM_001127221.2, NM_001174080.2); short protein forms E775V, E776V, E779V.
Identifiers: ClinVar variation 3776548 (VCV003776548.1).